The following is an entry in ClinVar:

ClinVar aggregate classification (germline): Likely pathogenic (1 of 4 stars; one submission).

Conditions:
Spinal muscular atrophy-progressive myoclonic epilepsy syndrome. Also called: MYOCLONUS, HEREDITARY, WITH PROGRESSIVE DISTAL MUSCULAR ATROPHY; Spinal muscular atrophy with progressive myoclonic epilepsy; Spinal Muscular Atrophy with Progressive Myoclonic Epilepsy (SMA-PME); Hereditary myoclonus and progressive distal muscular atrophy. Identifiers: Orphanet 2590, MedGen C1834569, MONDO:0008045, OMIM 159950.

Submission:

Variantyx, Inc.
Classification: Likely pathogenic for Spinal muscular atrophy-progressive myoclonic epilepsy syndrome. Last evaluated: 2025-07-10. Review status: criteria provided, single submitter. Criteria: Variantyx Assertion Criteria 2022. Collection method: clinical testing. Allele origin: germline. Inheritance: Autosomal recessive inheritance. Affected: yes.
Comment: This is a canonical splicing variant in the ASAH1 gene (OMIM: 613468). Pathogenic variants in this gene have been associated with autosomal recessive spinal muscular atrophy with progressive myoclonic epilepsy. The clinical symptoms reported for this individual are highly specific for autosomal recessive spinal muscular atrophy with progressive myoclonic epilepsy, which has a limited genetic etiology (PP4). Loss of function is a known disease mechanism for ASAH1 in this disorder (PMID: 24164096). However, the functional consequence of this splicing variant cannot be predicted with certainty (PVS1_Moderate). This variant has been identified in the compound heterozygous state in at least one individual (internal data) (PM3) and has a 0.0065% maximum allele frequency in non-founder control populations (PM2). Based on the current evidence, this variant is classified as likely pathogenic for autosomal recessive spinal muscular atrophy with progressive myoclonic epilepsy.

Literature cited by the submitters: PubMed 24164096.

NM_177924.5(ASAH1):c.1042-4_1042-1delinsAAAACAC

Gene: ASAH1 (N-acylsphingosine amidohydrolase 1; minus strand). Cytogenetic location: 8p22.
Variant type: Indel.
Coding change: c.1042-4_1042-1delinsAAAACAC on transcript NM_177924.5 (MANE Select); 4 bases into the intron before coding-DNA position 1042 through the canonical splice acceptor site of the intron before coding-DNA position 1042, TTAG replaced by AAAACAC.
Molecular consequence: splice acceptor variant.
Genome position (GRCh38, 1-based): chr8:18,058,892-18,058,895, CTAA replaced by GTGTTTT on the plus strand (TTAG replaced by AAAACAC on the coding strand, the reverse complement: ASAH1 is on the minus strand). VCF-style: chr8-18058892-CTAA-GTGTTTT. GRCh37 (hg19) VCF-style: chr8-17916401-CTAA-GTGTTTT.
Other names: c.1042-4_1042-1delTTAGinsAAAACAC (NM_177924.5); c.1090-4_1090-1delinsAAAACAC (NM_004315.6); c.1024-4_1024-1delinsAAAACAC (NM_001127505.3); c.847-4_847-1delinsAAAACAC (NM_001363743.2).
Identifiers: ClinVar variation 4813721 (VCV004813721.1).